The following is an entry in ClinVar:

ClinVar aggregate classification (germline): Benign (1 of 4 stars; one submission).

Conditions:
Familial cancer of breast. Also called: Hereditary breast cancer; hereditary breast carcinoma; BREAST CANCER, FAMILIAL. Identifiers: Orphanet 227535, MedGen C0346153, MONDO:0016419, OMIM 114480. Disease mechanism: loss of function.

Submission:

Myriad Genetics, Inc.
Classification: Benign for Familial cancer of breast. Last evaluated: 2025-01-10. Review status: criteria provided, single submitter. Criteria: Myriad Autosomal Dominant, Autosomal Recessive and X-Linked Classification Criteria (2023). Collection method: clinical testing. Allele origin: unknown.
Comment: This variant is considered benign. This variant is a silent/synonymous amino acid change and it is not expected to impact splicing.

NM_024675.4(PALB2):c.462A>C (p.Thr154=)

Gene: PALB2 (partner and localizer of BRCA2; minus strand). Cytogenetic location: 16p12.2.
Variant type: single nucleotide variant.
Coding change: c.462A>C on transcript NM_024675.4 (MANE Select); coding-DNA position 462, A replaced by C.
Protein change: p.Thr154=; no amino-acid change (threonine 154 retained).
Molecular consequence: synonymous variant. On other transcripts: 5 prime UTR variant (8), intron variant (3).
Genome position (GRCh38, 1-based): chr16:23,636,084, T>G on the plus strand (A>C on the coding strand, the complement: PALB2 is on the minus strand). VCF-style: chr16-23636084-T-G. GRCh37 (hg19) VCF-style: chr16-23647405-T-G.
Other names: c.402A>C, p.Thr134= (NM_001407296.1); c.462A>C, p.Thr154= (NM_001407297.1, NM_001407298.1, NM_001407299.1 and 3 more transcripts); c.-424A>C (NM_001407304.1, NM_001407305.1, NM_001407306.1 and 5 more transcripts); c.48+5026A>C (NM_001407314.1); c.-105+5026A>C (NM_001407313.1, NM_001407312.1).
Identifiers: ClinVar variation 3903855 (VCV003903855.1).